The following is an entry in ClinVar:

ClinVar aggregate classification (germline): Uncertain significance (1 of 4 stars; one submission).

Conditions:
Granulomatous disease, chronic, autosomal recessive, cytochrome b-negative. Also called: CGD DUE TO DEFICIENCY OF THE ALPHA SUBUNIT OF CYTOCHROME b; CGD, AUTOSOMAL RECESSIVE CYTOCHROME b-NEGATIVE; CYBA DEFICIENCY; GRANULOMATOUS DISEASE, CHRONIC, AUTOSOMAL RECESSIVE, 4; Chronic granulomatous disease, autosomal, due to deficiency of CYBA. Identifiers: Orphanet 379, MedGen C1856255, MONDO:0009308, OMIM 233690.

gnomAD v4.1: 3 of 1,613,940 alleles (0.00019%); highest among the groups gnomAD compares: Non-Finnish European, 0.00017%; no homozygotes.

Submission:

Dasa
Classification: Uncertain significance for Granulomatous disease, chronic, autosomal recessive, cytochrome b-negative. Last evaluated: 2025-09-17. Review status: criteria provided, single submitter. Criteria: DASA Assertion Criteria. Collection method: clinical testing. Allele origin: germline.
Comment: NM_000101.4(CYBA):c.244C>T (p.Pro82Ser) is a missense variant that results in the substitution of proline with serine. This variant is rare in population databases. Computational prediction algorithms are consistent with a deleterious effect. The currently available literature and clinical evidence are not sufficient to establish a definitive association between this variant and the reported condition. Therefore, this variant is classified as a variant of uncertain significance.

NM_000101.4(CYBA):c.244C>T (p.Pro82Ser)

Gene: CYBA (cytochrome b-245 alpha chain; minus strand). Cytogenetic location: 16q24.2.
Variant type: single nucleotide variant.
Coding change: c.244C>T on transcript NM_000101.4 (MANE Select); coding-DNA position 244, C replaced by T.
Protein change: p.Pro82Ser; replaces proline 82 with serine.
Molecular consequence: missense variant.
Genome position (GRCh38, 1-based): chr16:88,646,798, G>A on the plus strand (C>T on the coding strand, the complement: CYBA is on the minus strand). VCF-style: chr16-88646798-G-A. GRCh37 (hg19) VCF-style: chr16-88713206-G-A.
Other names: short protein forms P82S.
Identifiers: ClinVar variation 4883187 (VCV004883187.2).